The following is an entry in ClinVar:

ClinVar aggregate classification (germline): Pathogenic. Review status: criteria provided, single submitter (1 of 4 stars). 2 submissions from 2 submitters: Pathogenic (1). 1 of the submissions does not count toward it. Last evaluated 2024-01-19.

Conditions:
Metachromatic leukodystrophy (MLD). Also called: Cerebral sclerosis diffuse metachromatic form; Arylsulfatase A Deficiency; SULFATIDE LIPIDOSIS; CEREBROSIDE SULFATASE DEFICIENCY; METACHROMATIC LEUKOENCEPHALOPATHY; ARSA DEFICIENCY. Identifiers: Orphanet 512, MedGen C0023522, MONDO:0018868, OMIM 250100.

Submissions (2):

Labcorp Genetics (formerly Invitae), Labcorp
Classification: Pathogenic for Metachromatic leukodystrophy. Last evaluated: 2024-01-19. Review status: criteria provided, single submitter. Criteria: Invitae Variant Classification Sherloc (09022015). Collection method: clinical testing. Allele origin: germline.
Comment: This sequence change creates a premature translational stop signal (p.Gly310Alafs*19) in the ARSA gene. It is expected to result in an absent or disrupted protein product. Loss-of-function variants in ARSA are known to be pathogenic (PMID: 8962139, 10477432). This variant is not present in population databases (gnomAD no frequency). This variant has not been reported in the literature in individuals affected with ARSA-related conditions. ClinVar contains an entry for this variant (Variation ID: 370626). For these reasons, this variant has been classified as Pathogenic.

Counsyl
Classification: Likely pathogenic for Metachromatic leukodystrophy. Last evaluated: 2016-03-11. Review status: no assertion criteria provided. Collection method: clinical testing. Allele origin: unknown. Not counted in ClinVar's aggregate classification.

Literature cited by the submitters: PubMed 8962139 (cited by Labcorp Genetics (formerly Invitae), Labcorp); PubMed 10477432 (cited by Labcorp Genetics (formerly Invitae), Labcorp).

NM_000487.6(ARSA):c.929del (p.Gly310fs)

Gene: ARSA (arylsulfatase A; minus strand). Cytogenetic location: 22q13.33.
Variant type: Deletion.
Coding change: c.929del on transcript NM_000487.6 (MANE Select); coding-DNA position 929, one base deleted (G; older notation c.929delG).
Protein change: p.Gly310fs; shifts the reading frame from glycine 310.
Molecular consequence: frameshift variant.
Genome position (GRCh38, 1-based): chr22:50,626,204, C deleted on the plus strand (G on the coding strand, the reverse complement: ARSA is on the minus strand); the first of 3 consecutive C bases (chr22:50,626,204-50,626,206); deleting any one gives the same sequence. VCF-style (leftmost placement, unchanged base first): chr22-50626203-GC-G. GRCh37 (hg19) VCF-style: chr22-51064631-GC-G.
Other names: c.929del, p.Gly310fs (NM_001085425.3, NM_001085426.3, NM_001085427.3); c.671del, p.Gly224fs (NM_001085428.3, NM_001362782.2); short protein forms G224fs, G310fs.
Identifiers: ClinVar variation 370626 (VCV000370626.6), dbSNP rs1057516638, ClinGen allele CA16042037.